The following is an entry in ClinVar:

ClinVar aggregate classification (germline): Uncertain significance. Review status: criteria provided, multiple submitters, no conflicts (2 of 4 stars). 3 submissions from 3 submitters: Uncertain significance (3). Last evaluated 2025-03-03.

Conditions:
Familial sleep-related hypermotor epilepsy. Also called: Autosomal Dominant Sleep-Related Hypermotor (Hyperkinetic) Epilepsy. Identifiers: Orphanet 98784, MedGen C3696898, MONDO:0000030.
Autosomal dominant nocturnal frontal lobe epilepsy 4. Also called: CHRNA2-Related Nocturnal Frontal Lobe Epilepsy, Autosomal Dominant; EPILEPSY, FAMILIAL, WITH NOCTURNAL WANDERING AND ICTAL FEAR. Identifiers: Orphanet 98784, MedGen C1835905, MONDO:0012474, OMIM 610353.

Allele frequency attached by ClinVar (database versions not stated): ExAC 0.00001; gnomAD exomes 0.00001 and 0.00002.
gnomAD v4.1: 11 of 1,614,138 alleles (0.00068%); highest among the groups gnomAD compares: Admixed American, 0.005%; no homozygotes.

Submissions (3):

Labcorp Genetics (formerly Invitae), Labcorp
Classification: Uncertain significance. Last evaluated: 2025-03-03. Review status: criteria provided, single submitter. Criteria: Invitae Variant Classification Sherloc (09022015). Collection method: clinical testing. Allele origin: germline.
Comment: This sequence change falls in intron 3 of the CHRNA2 gene. It does not directly change the encoded amino acid sequence of the CHRNA2 protein. It affects a nucleotide within the consensus splice site. This variant is present in population databases (rs774398407, gnomAD 0.01%). This variant has not been reported in the literature in individuals affected with CHRNA2-related conditions. This variant has been observed in at least one individual who was not affected with CHRNA2-related conditions (internal data). ClinVar contains an entry for this variant (Variation ID: 450186). Variants that disrupt the consensus splice site are a relatively common cause of aberrant splicing (PMID: 17576681, 9536098). Algorithms developed to predict the effect of sequence changes on RNA splicing suggest that this variant may disrupt the consensus splice site. In summary, the available evidence is currently insufficient to determine the role of this variant in disease. Therefore, it has been classified as a Variant of Uncertain Significance.

Fulgent Genetics
Classification: Uncertain significance for Autosomal dominant nocturnal frontal lobe epilepsy 4. Last evaluated: 2021-12-14. Review status: criteria provided, single submitter. Criteria: ACMG Guidelines, 2015. Collection method: clinical testing. Allele origin: unknown.

GeneDx
Classification: Uncertain significance. Last evaluated: 2017-06-29. Review status: criteria provided, single submitter. Criteria: GeneDx Variant Classification (06012015). Collection method: clinical testing. Allele origin: germline. Affected: yes.
Comment: A variant of uncertain significance has been identified in the CHRNA2 gene. The c.294+5 G>A variant has not been published as a pathogenic variant, nor has it been reported as a benign variant to our knowledge. The c.294+5 G>A variant is observed in 1/66602 (0.002%) alleles from individuals of non-Finnish European background (Lek et al., 2016; 1000 Genomes Consortium et al., 2015; Exome Variant Server). In silico analysis is inconsistent in its predictions as to whether or not the variant affects splicing. In the absence of RNA/functional studies, the actual effect of this sequence change in this individual is unknown. Therefore, based on the currently available information, it is unclear whether this variant is a pathogenic variant or a rare benign variant.

Literature cited by the submitters: PubMed 17576681 (cited by Labcorp Genetics (formerly Invitae), Labcorp); PubMed 9536098 (cited by Labcorp Genetics (formerly Invitae), Labcorp).

NM_000742.4(CHRNA2):c.294+5G>A

Gene: CHRNA2 (cholinergic receptor nicotinic alpha 2 subunit; minus strand). Cytogenetic location: 8p21.2.
Variant type: single nucleotide variant.
Coding change: c.294+5G>A on transcript NM_000742.4 (MANE Select); 5 bases into the intron after coding-DNA position 294, G replaced by A.
Molecular consequence: intron variant.
Genome position (GRCh38, 1-based): chr8:27,469,756, C>T on the plus strand (G>A on the coding strand, the complement: CHRNA2 is on the minus strand). VCF-style: chr8-27469756-C-T. GRCh37 (hg19) VCF-style: chr8-27327273-C-T.
Other names: c.-179+50G>A (NM_001347705.2); c.249+50G>A (NM_001282455.2); c.-168+5G>A (NM_001347708.2); c.-179+5G>A (NM_001347706.2); c.-165+50G>A (NM_001347707.2).
Identifiers: ClinVar variation 450186 (VCV000450186.8), dbSNP rs774398407, ClinGen allele CA4689736.